The following is an entry in ClinVar:

ClinVar aggregate classification (germline): Conflicting classifications of pathogenicity. Review status: criteria provided, conflicting classifications (1 of 4 stars). 7 submissions from 7 submitters: Likely pathogenic (3); Uncertain significance (4). Last evaluated 2026-03-25.

Conditions:
Maple syrup urine disease type 1B (MSUD1B). Also called: MSUD type IB; MSUD type 3 (formerly); MSUD due to deficiency of e1-beta subunit of branched-chain alpha-keto acid dehydrogenase complex. Identifiers: MedGen C2930990, MONDO:0023692, OMIM 620698.
Maple syrup urine disease type 1A (MSUD1A). Also called: MSUD type 1A. Identifiers: MedGen C1855369, MONDO:0023691, OMIM 248600.
Maple syrup urine disease (MSUD). Identifiers: Orphanet 511, MedGen C0024776, MeSH D008375, MONDO:0009563. Disease mechanism: loss of function.

Allele frequency attached by ClinVar (database versions not stated): gnomAD below 0.00001 and 0.00001; gnomAD exomes below 0.00001.
gnomAD v4.1: 1 of 1,613,792 alleles (0.000062%); highest among the groups gnomAD compares: South Asian, 0.0011%; no homozygotes.

Submissions (7):

Myriad Genetics, Inc.
Classification: Uncertain significance for Maple syrup urine disease type 1B. Last evaluated: 2026-03-25. Review status: criteria provided, single submitter. Criteria: Myriad Autosomal Dominant, Autosomal Recessive and X-Linked Classification Criteria (2023). Collection method: clinical testing. Allele origin: unknown.
Comment: NM_183050.2(BCKDHB):c.1144T>C(C382R) is a missense variant classified as a variant of uncertain significance in the context of maple syrup urine disease type Ib. C382R has been observed in a case with relevant disease (PMID: 27629047). Relevant functional assessments of this variant are not available in the literature. C382R has been observed in referenced population frequency databases. In summary, there is insufficient evidence to classify NM_183050.2(BCKDHB):c.1144T>C(C382R) as pathogenic or benign. Please note: this variant was assessed in the context of healthy population screening.

Fulgent Genetics
Classification: Likely pathogenic for Maple syrup urine disease type 1B. Last evaluated: 2024-05-23. Review status: criteria provided, single submitter. Criteria: ACMG Guidelines, 2015. Collection method: clinical testing. Allele origin: germline.

Women's Health and Genetics/Laboratory Corporation of America, LabCorp
Classification: Uncertain significance. Last evaluated: 2024-05-16. Review status: criteria provided, single submitter. Criteria: LabCorp Variant Classification Summary - May 2015. Collection method: clinical testing. Allele origin: germline.
Comment: Variant summary: BCKDHB c.1144T>C (p.Cys382Arg) results in a non-conservative amino acid change in the encoded protein sequence. Five of five in-silico tools predict a damaging effect of the variant on protein function. The variant allele was found at a frequency of 4e-06 in 251334 control chromosomes. c.1144T>C has been reported in the literature in at least one homozygous individual affected with Maple Syrup Urine Disease (e.g. Alfadhel_2016). These data indicate that the variant may be associated with disease. To our knowledge, no experimental evidence demonstrating an impact on protein function has been reported. The following publication has been ascertained in the context of this evaluation (PMID: 27629047). ClinVar contains an entry for this variant (Variation ID: 166743). Based on the evidence outlined above, the variant was classified as VUS-possibly pathogenic.

Genomic Medicine Center of Excellence, King Faisal Specialist Hospital and Research Centre
Classification: Uncertain significance for Maple syrup urine disease, type Ia. Last evaluated: 2024-03-14. Review status: criteria provided, single submitter. Criteria: ACMG Guidelines, 2015. Collection method: clinical testing. Allele origin: germline.

Genome-Nilou Lab
Classification: Likely pathogenic for Maple syrup urine disease type 1A. Last evaluated: 2021-11-07. Review status: criteria provided, single submitter. Criteria: ACMG Guidelines, 2015. Collection method: clinical testing. Allele origin: germline. Affected: no.

Eurofins Ntd Llc (ga)
Classification: Uncertain significance. Last evaluated: 2014-04-22. Review status: criteria provided, single submitter. Criteria: EGL Classification Definitions 2015. Collection method: clinical testing. Allele origin: germline. Observed: 4 variant alleles, 2 heterozygotes, 2 homozygotes.

Pathology and Clinical Laboratory Medicine, King Fahad Medical City
Classification: Likely pathogenic for Maple syrup urine disease type 1A. Review status: criteria provided, single submitter. Criteria: ACMG Guidelines, 2015. Collection method: clinical testing. Allele origin: germline. Affected: yes. Observed: 1 variant allele.

Literature cited by the submitters: PubMed 27629047 (cited by Myriad Genetics, Inc. and Women's Health and Genetics/Laboratory Corporation of America, LabCorp).

NM_183050.4(BCKDHB):c.1144T>C (p.Cys382Arg)

Gene: BCKDHB (branched chain keto acid dehydrogenase E1 subunit beta; plus strand). Cytogenetic location: 6q14.1.
Variant type: single nucleotide variant.
Coding change: c.1144T>C on transcript NM_183050.4 (MANE Select); coding-DNA position 1144, T replaced by C.
Protein change: p.Cys382Arg; replaces cysteine 382 with arginine.
Molecular consequence: missense variant. On other transcripts: non-coding transcript variant (1).
Genome position (GRCh38, 1-based): chr6:80,343,769, T>C. VCF-style: chr6-80343769-T-C. GRCh37 (hg19) VCF-style: chr6-81053486-T-C.
Other names: c.1144T>C, p.Cys382Arg (NM_000056.5); c.934T>C, p.Cys312Arg (NM_001318975.1); short protein forms C382R, C312R.
Identifiers: ClinVar variation 166743 (VCV000166743.13), dbSNP rs727503822, ClinGen allele CA233527.
Genomic context (GRCh38, chr6:80,343,769, plus strand): 5'-GGTTATGACACACCATTTCCTCACATTTTTGAACCATTCTACATCCCAGACAAATGGAAG[T>C]GTTATGATGCCCTTCGAAAAATGATCAACTATTGACCATATAGGTAGGTATGCATCTTGA-3'
Protein context (NP_898871.1, residues 372-392): EPFYIPDKWK[Cys382Arg]YDALRKMINY